The following is an entry in ClinVar:

ClinVar aggregate classification (germline): Uncertain significance (1 of 4 stars; one submission).

Conditions:
Pyogenic arthritis-pyoderma gangrenosum-acne syndrome (PAPA). Also called: FAMILIAL RECURRENT ARTHRITIS; PAPA SYNDROME. Identifiers: Orphanet 69126, MedGen C1858361, MONDO:0011462, OMIM 604416.

Allele frequency attached by ClinVar (database versions not stated): TOPMed below 0.00001; ExAC 0.00001; gnomAD exomes 0.00001.
gnomAD v4.1: 13 of 1,612,716 alleles (0.00081%); highest among the groups gnomAD compares: South Asian, 0.0033%; no homozygotes.

Submission:

Labcorp Genetics (formerly Invitae), Labcorp
Classification: Uncertain significance for Pyogenic arthritis-pyoderma gangrenosum-acne syndrome. Last evaluated: 2024-02-17. Review status: criteria provided, single submitter. Criteria: Invitae Variant Classification Sherloc (09022015). Collection method: clinical testing. Allele origin: germline.
Comment: This sequence change replaces lysine, which is basic and polar, with arginine, which is basic and polar, at codon 272 of the PSTPIP1 protein (p.Lys272Arg). This variant is not present in population databases (gnomAD no frequency). This variant has not been reported in the literature in individuals affected with PSTPIP1-related conditions. ClinVar contains an entry for this variant (Variation ID: 1512750). Advanced modeling of protein sequence and biophysical properties (such as structural, functional, and spatial information, amino acid conservation, physicochemical variation, residue mobility, and thermodynamic stability) performed at Invitae indicates that this missense variant is not expected to disrupt PSTPIP1 protein function with a negative predictive value of 80%. In summary, the available evidence is currently insufficient to determine the role of this variant in disease. Therefore, it has been classified as a Variant of Uncertain Significance.

NM_003978.5(PSTPIP1):c.815A>G (p.Lys272Arg)

Gene: PSTPIP1 (proline-serine-threonine phosphatase interacting protein 1; plus strand). Cytogenetic location: 15q24.3.
Variant type: single nucleotide variant.
Coding change: c.815A>G on transcript NM_003978.5 (MANE Select); coding-DNA position 815, A replaced by G.
Protein change: p.Lys272Arg; replaces lysine 272 with arginine.
Molecular consequence: missense variant.
Genome position (GRCh38, 1-based): chr15:77,032,371, A>G. VCF-style: chr15-77032371-A-G. GRCh37 (hg19) VCF-style: chr15-77324712-A-G.
Other names: c.815A>G, p.Lys272Arg (NM_001321135.2); c.788A>G, p.Lys263Arg (NM_001321136.2); c.1010A>G, p.Lys337Arg (NM_001321137.1); short protein forms K337R, K263R, K272R.
Identifiers: ClinVar variation 1512750 (VCV001512750.6), dbSNP rs767248102, ClinGen allele CA7675991.